The following is an entry in ClinVar:

ClinVar aggregate classification (germline): Likely pathogenic (1 of 4 stars; one submission).

Allele frequency attached by ClinVar (database versions not stated): gnomAD exomes below 0.00001.
gnomAD v4.1: 3 of 1,614,184 alleles (0.00019%); highest among the groups gnomAD compares: Non-Finnish European, 0.00025%; no homozygotes.

Submission:

CeGaT Center for Human Genetics Tuebingen
Classification: Likely pathogenic. Last evaluated: 2024-06-01. Review status: criteria provided, single submitter. Criteria: CeGaT Center For Human Genetics Tuebingen Variant Classification Criteria Version 2. Collection method: clinical testing. Allele origin: germline. Affected: yes. Observed: 1 variant allele.
Comment: KCNC3: PM2, PM5, PP2, PP3

NM_004977.3(KCNC3):c.1267C>T (p.Arg423Cys)

Gene: KCNC3 (potassium voltage-gated channel subfamily C member 3; minus strand). Cytogenetic location: 19q13.33.
Variant type: single nucleotide variant.
Coding change: c.1267C>T on transcript NM_004977.3 (MANE Select); coding-DNA position 1267, C replaced by T.
Protein change: p.Arg423Cys; replaces arginine 423 with cysteine.
Molecular consequence: missense variant.
Genome position (GRCh38, 1-based): chr19:50,323,686, G>A on the plus strand (C>T on the coding strand, the complement: KCNC3 is on the minus strand). VCF-style: chr19-50323686-G-A. GRCh37 (hg19) VCF-style: chr19-50826943-G-A.
Other names: c.1039C>T, p.Arg347Cys (NM_001372305.1); short protein forms R347C, R423C.
Identifiers: ClinVar variation 3251038 (VCV003251038.18), dbSNP rs2513799489.
Genomic context (GRCh38, chr19:50,323,686, plus strand): 5'-CGCGGAGCGTGTGTCCCAGCACGCGCAGCCCCACGAAGTGCCGGGTCAGCTTGAAGATGC[G>A]CAGGATGCGGACGAAGCGGACCACCCGCAGGAAGCCCAGCACGTCTTTGGCGGCCTTGGA-3'
Protein context (NP_004968.2, residues 413-433): LRVVRFVRIL[Arg423Cys]IFKLTRHFVG